The following is an entry in ClinVar:

ClinVar aggregate classification (germline): Uncertain significance. Review status: criteria provided, multiple submitters, no conflicts (2 of 4 stars). 2 submissions from 2 submitters: Uncertain significance (2). Last evaluated 2025-10-11.

Conditions:
Arrhythmogenic right ventricular dysplasia 10. Also called: Arrhythmogenic right ventricular dysplasia/cardiomyopathy, type 10; Arrhythmogenic Right Ventricular Dysplasia/Cardiomyopathy10; ARRHYTHMOGENIC RIGHT VENTRICULAR DYSPLASIA, FAMILIAL, 10. Identifiers: MedGen C1857777, MONDO:0012434, OMIM 610193.
Cardiovascular phenotype. Identifiers: MedGen CN230736.

gnomAD v4.1: 10 of 1,614,178 alleles (0.00062%); highest among the groups gnomAD compares: Non-Finnish European, 0.00085%; no homozygotes.

Submissions (2):

Labcorp Genetics (formerly Invitae), Labcorp
Classification: Uncertain significance for Arrhythmogenic right ventricular dysplasia 10. Last evaluated: 2025-10-11. Review status: criteria provided, single submitter. Criteria: Invitae Variant Classification Sherloc (09022015). Collection method: clinical testing. Allele origin: germline.
Comment: This sequence change replaces proline, which is neutral and non-polar, with alanine, which is neutral and non-polar, at codon 497 of the DSG2 protein (p.Pro497Ala). This variant is not present in population databases (gnomAD no frequency). This variant has not been reported in the literature in individuals affected with DSG2-related conditions. ClinVar contains an entry for this variant (Variation ID: 2720854). Invitae Evidence Modeling of protein sequence and biophysical properties (such as structural, functional, and spatial information, amino acid conservation, physicochemical variation, residue mobility, and thermodynamic stability) has been performed for this missense variant. However, the output from this modeling did not meet the statistical confidence thresholds required to predict the impact of this variant on DSG2 protein function. In summary, the available evidence is currently insufficient to determine the role of this variant in disease. Therefore, it has been classified as a Variant of Uncertain Significance.

Ambry Genetics
Classification: Uncertain significance for Cardiovascular phenotype. Last evaluated: 2024-09-20. Review status: criteria provided, single submitter. Criteria: Ambry Variant Classification Scheme 2023. Collection method: clinical testing. Allele origin: germline.
Comment: The p.P497A variant (also known as c.1489C>G), located in coding exon 11 of the DSG2 gene, results from a C to G substitution at nucleotide position 1489. The proline at codon 497 is replaced by alanine, an amino acid with highly similar properties. This amino acid position is conserved. In addition, this alteration is predicted to be deleterious by in silico analysis. Based on the available evidence, the clinical significance of this variant remains unclear.

NM_001943.5(DSG2):c.1489C>G (p.Pro497Ala)

Gene: DSG2 (desmoglein 2; plus strand). Cytogenetic location: 18q12.1.
Variant type: single nucleotide variant.
Coding change: c.1489C>G on transcript NM_001943.5 (MANE Select); coding-DNA position 1489, C replaced by G.
Protein change: p.Pro497Ala; replaces proline 497 with alanine.
Molecular consequence: missense variant.
Genome position (GRCh38, 1-based): chr18:31,536,267, C>G. VCF-style: chr18-31536267-C-G. GRCh37 (hg19) VCF-style: chr18-29116230-C-G.
Other names: short protein forms P497A.
Identifiers: ClinVar variation 2720854 (VCV002720854.4), dbSNP rs1293179210, ClinGen allele CA402141444.